The following is an entry in ClinVar:

NM_018124.4(RFWD3):c.2261T>C (p.Val754Ala)

Gene: RFWD3 (ring finger and WD repeat domain 3; minus strand). Cytogenetic location: 16q23.1.
Variant type: single nucleotide variant.
Coding change: c.2261T>C on transcript NM_018124.4 (MANE Select); coding-DNA position 2261, T replaced by C.
Protein change: p.Val754Ala; replaces valine 754 with alanine.
Molecular consequence: missense variant.
Genome position (GRCh38, 1-based): chr16:74,623,992, A>G on the plus strand (T>C on the coding strand, the complement: RFWD3 is on the minus strand). VCF-style: chr16-74623992-A-G. GRCh37 (hg19) VCF-style: chr16-74657890-A-G.
Other names: c.1427T>C, p.Val476Ala (NM_001370540.1, NM_001370541.1, NM_001370542.1 and 3 more transcripts); c.2261T>C, p.Val754Ala (NM_001370534.1, NM_001370535.1); c.2084T>C, p.Val695Ala (NM_001370536.1); short protein forms V695A, V476A, V754A.
Identifiers: ClinVar variation 2089308 (VCV002089308.4), dbSNP rs2543906795, ClinGen allele CA396758974.

ClinVar aggregate classification (germline): Uncertain significance (1 of 4 stars; one submission).

Submission:

Labcorp Genetics (formerly Invitae), Labcorp
Classification: Uncertain significance. Last evaluated: 2022-01-23. Review status: criteria provided, single submitter. Criteria: Invitae Variant Classification Sherloc (09022015). Collection method: clinical testing. Allele origin: germline.
Comment: In summary, the available evidence is currently insufficient to determine the role of this variant in disease. Therefore, it has been classified as a Variant of Uncertain Significance. Algorithms developed to predict the effect of missense changes on protein structure and function output the following: SIFT: "Tolerated"; PolyPhen-2: "Benign"; Align-GVGD: "Class C0". The alanine amino acid residue is found in multiple mammalian species, which suggests that this missense change does not adversely affect protein function. This variant has not been reported in the literature in individuals affected with RFWD3-related conditions. This variant is not present in population databases (gnomAD no frequency). This sequence change replaces valine, which is neutral and non-polar, with alanine, which is neutral and non-polar, at codon 754 of the RFWD3 protein (p.Val754Ala).